The following is an entry in ClinVar:

ClinVar aggregate classification (germline): Uncertain significance (1 of 4 stars; one submission).

Conditions:
Severe combined immunodeficiency due to DNA-PKcs deficiency. Also called: IMMUNODEFICIENCY 26 WITH NEUROLOGIC ABNORMALITIES; Immunodeficiency 26 with or without neurologic abnormalities. Identifiers: Orphanet 317425, MedGen C4014833, MONDO:0014423, OMIM 615966.

Allele frequency attached by ClinVar (database versions not stated): gnomAD 0.00001; TOPMed 0.00002.
gnomAD v4.1: 24 of 1,613,816 alleles (0.0015%); highest among the groups gnomAD compares: South Asian, 0.0044%; no homozygotes.

Submission:

Labcorp Genetics (formerly Invitae), Labcorp
Classification: Uncertain significance for Severe combined immunodeficiency due to DNA-PKcs deficiency. Last evaluated: 2021-09-20. Review status: criteria provided, single submitter. Criteria: Invitae Variant Classification Sherloc (09022015). Collection method: clinical testing. Allele origin: germline.
Comment: This sequence change replaces arginine with glutamine at codon 3725 of the PRKDC protein (p.Arg3725Gln). The arginine residue is moderately conserved and there is a small physicochemical difference between arginine and glutamine. This variant is present in population databases (rs546491566, ExAC 0.009%). This variant has not been reported in the literature in individuals affected with PRKDC-related conditions. Experimental studies and prediction algorithms are not available or were not evaluated, and the functional significance of this variant is currently unknown. In summary, the available evidence is currently insufficient to determine the role of this variant in disease. Therefore, it has been classified as a Variant of Uncertain Significance.

NM_006904.7(PRKDC):c.11174G>A (p.Arg3725Gln)

Gene: PRKDC (protein kinase, DNA-activated, catalytic subunit; minus strand). Cytogenetic location: 8q11.21.
Variant type: single nucleotide variant.
Coding change: c.11174G>A on transcript NM_006904.7 (MANE Select); coding-DNA position 11174, G replaced by A.
Protein change: p.Arg3725Gln; replaces arginine 3725 with glutamine.
Molecular consequence: missense variant.
Genome position (GRCh38, 1-based): chr8:47,783,743, C>T on the plus strand (G>A on the coding strand, the complement: PRKDC is on the minus strand). VCF-style: chr8-47783743-C-T. GRCh37 (hg19) VCF-style: chr8-48696304-C-T.
Other names: c.11174G>A, p.Arg3725Gln (NM_001081640.2); short protein forms R3725Q.
Identifiers: ClinVar variation 1470397 (VCV001470397.3), dbSNP rs546491566, ClinGen allele CA4739160.
Genomic context (GRCh38, chr8:47,783,743, plus strand): 5'-ATTCTCATCTGAAGAACGTTCATCAGGACAGGGACTGGGTCACACACCCTCACACCTACC[C>T]GCTCATCAAACCCGGCGATTCGCACGTGGTACTCTGGCAATGGCTTTCCCCTACCGTCAT-3'
Protein context (NP_008835.5, residues 3715-3735): YHVRIAGFDE[Arg3725Gln]VTVMASLRRP